The following is an entry in ClinVar:

NM_014068.3(PSORS1C1):c.134G>A (p.Arg45Gln)

Genes: PSORS1C1 (psoriasis susceptibility 1 candidate 1; plus strand), PSORS1C2 (psoriasis susceptibility 1 candidate 2; minus strand). Cytogenetic location: 6p21.33.
Variant type: single nucleotide variant.
Coding change: c.134G>A on transcript NM_014068.3 (MANE Select); coding-DNA position 134, G replaced by A.
Protein change: p.Arg45Gln; replaces arginine 45 with glutamine.
Molecular consequence: missense variant. On other transcripts: intron variant (1).
Genome position (GRCh38, 1-based): chr6:31,138,746, G>A. VCF-style: chr6-31138746-G-A. GRCh37 (hg19) VCF-style: chr6-31106523-G-A.
Other names: c.55+226C>T (NM_014069.3); short protein forms R45Q.
Identifiers: ClinVar variation 784067 (VCV000784067.5), dbSNP rs111892391, ClinGen allele CA3708789.

ClinVar aggregate classification (germline): Benign. Review status: criteria provided, single submitter (1 of 4 stars). 2 submissions from 2 submitters: Benign (1). 1 of the submissions does not count toward it. Last evaluated 2018-07-04.

Conditions:
PSORS1C1-related disorder. Also called: PSORS1C1-related condition.

Allele frequency attached by ClinVar (database versions not stated): 1000 Genomes Project 0.00339; 1000 Genomes Project 30x 0.00375; TOPMed 0.00426; ESP Exome Variant Server 0.00533.
gnomAD v4.1: 1,195 of 1,613,990 alleles (0.074%); highest among the groups gnomAD compares: African/African-American, 1.4%; 11 homozygotes.

Submissions (2):

Labcorp Genetics (formerly Invitae), Labcorp
Classification: Benign. Last evaluated: 2018-07-04. Review status: criteria provided, single submitter. Criteria: Invitae Variant Classification Sherloc (09022015). Collection method: clinical testing. Allele origin: germline.

PreventionGenetics, part of Exact Sciences
Classification: Benign for PSORS1C1-related condition. Last evaluated: 2020-02-25. Review status: no assertion criteria provided. Collection method: clinical testing. Allele origin: germline. Not counted in ClinVar's aggregate classification.
Comment: This variant is classified as benign based on ACMG/AMP sequence variant interpretation guidelines (Richards et al. 2015 PMID: 25741868, with internal and published modifications).